The following is an entry in ClinVar:

NM_017999.5(RNF31):c.184C>T (p.His62Tyr)

Gene: RNF31 (ring finger protein 31; plus strand). Cytogenetic location: 14q12.
Variant type: single nucleotide variant.
Coding change: c.184C>T on transcript NM_017999.5 (MANE Select); coding-DNA position 184, C replaced by T.
Protein change: p.His62Tyr; replaces histidine 62 with tyrosine.
Molecular consequence: missense variant. On other transcripts: intron variant (1).
Genome position (GRCh38, 1-based): chr14:24,147,882, C>T. VCF-style: chr14-24147882-C-T. GRCh37 (hg19) VCF-style: chr14-24617091-C-T.
Other names: c.-325-94C>T (NM_001310332.2); short protein forms H62Y.
Identifiers: ClinVar variation 4777363 (VCV004777363.1).

ClinVar aggregate classification (germline): Uncertain significance (1 of 4 stars; one submission).

Submission:

Labcorp Genetics (formerly Invitae), Labcorp
Classification: Uncertain significance. Last evaluated: 2025-07-27. Review status: criteria provided, single submitter. Criteria: Invitae Variant Classification Sherloc (09022015). Collection method: clinical testing. Allele origin: germline.
Comment: This sequence change replaces histidine, which is basic and polar, with tyrosine, which is neutral and polar, at codon 62 of the RNF31 protein (p.His62Tyr). This variant is not present in population databases (gnomAD no frequency). This variant has not been reported in the literature in individuals affected with RNF31-related conditions. An algorithm developed to predict the effect of missense changes on protein structure and function outputs the following: PolyPhen-2: "Benign". The tyrosine amino acid residue is found in multiple mammalian species, which suggests that this missense change does not adversely affect protein function. In summary, the available evidence is currently insufficient to determine the role of this variant in disease. Therefore, it has been classified as a Variant of Uncertain Significance.